The following is an entry in ClinVar:

ClinVar aggregate classification (germline): Likely benign. Review status: criteria provided, multiple submitters, no conflicts (2 of 4 stars). 3 submissions from 3 submitters: Likely benign (3). Last evaluated 2025-07-13.

Conditions:
Hereditary cancer-predisposing syndrome. Also called: Neoplastic Syndromes, Hereditary; Tumor predisposition; Hereditary Cancer Syndrome; Hereditary neoplastic syndrome. Identifiers: Orphanet 140162, MedGen C0027672, MeSH D009386, MONDO:0015356.
Familial adenomatous polyposis 1 (FAP1). Also called: FAMILIAL ADENOMATOUS POLYPOSIS 1, ATTENUATED; POLYPOSIS, ADENOMATOUS INTESTINAL. Identifiers: MedGen C2713442, MONDO:0021056, OMIM 175100. Disease mechanism: loss of function.

gnomAD v4.1: 1 of 1,606,546 alleles (0.000062%); highest among the groups gnomAD compares: South Asian, 0.0011%; no homozygotes.

Submissions (3):

Labcorp Genetics (formerly Invitae), Labcorp
Classification: Likely benign for Familial adenomatous polyposis 1. Last evaluated: 2025-07-13. Review status: criteria provided, single submitter. Criteria: Invitae Variant Classification Sherloc (09022015). Collection method: clinical testing. Allele origin: germline.

Myriad Genetics, Inc.
Classification: Likely benign for Familial adenomatous polyposis 1. Last evaluated: 2024-02-26. Review status: criteria provided, single submitter. Criteria: Myriad Autosomal Dominant, Autosomal Recessive and X-Linked Classification Criteria (2023). Collection method: clinical testing. Allele origin: unknown.
Comment: This variant is considered likely benign. This variant is intronic and is not expected to impact mRNA splicing.

Color Diagnostics, LLC DBA Color Health
Classification: Likely benign for Hereditary cancer-predisposing syndrome. Last evaluated: 2018-12-05. Review status: criteria provided, single submitter. Criteria: ACMG Guidelines, 2015. Collection method: clinical testing. Allele origin: germline.

NM_000038.6(APC):c.730-19G>T

Gene: APC (APC regulator of Wnt signaling pathway; plus strand). Cytogenetic location: 5q22.2.
Variant type: single nucleotide variant.
Coding change: c.730-19G>T on transcript NM_000038.6 (MANE Select); 19 bases into the intron before coding-DNA position 730, G replaced by T.
Molecular consequence: intron variant.
Genome position (GRCh38, 1-based): chr5:112,801,260, G>T. VCF-style: chr5-112801260-G-T. GRCh37 (hg19) VCF-style: chr5-112136957-G-T.
Other names: c.730-19G>T (NM_001354895.2, NM_001127510.3, NM_001354896.2 and 1 more transcripts); c.760-19G>T (NM_001354897.2, NM_001354902.2); c.676-19G>T (NM_001127511.3); c.655-19G>T (NM_001354898.2, NM_001354904.2); c.-306-19G>T (NM_001354906.2); c.646-19G>T (NM_001354899.2); c.553-19G>T (NM_001354900.2, NM_001354901.2, NM_001354905.2).
Identifiers: ClinVar variation 918662 (VCV000918662.6), dbSNP rs966309914, ClinGen allele CA913188126.